The following is an entry in ClinVar:

NM_001035.3(RYR2):c.3160G>C (p.Val1054Leu)

Gene: RYR2 (ryanodine receptor 2; plus strand). Cytogenetic location: 1q43.
Variant type: single nucleotide variant.
Coding change: c.3160G>C on transcript NM_001035.3 (MANE Select); coding-DNA position 3160, G replaced by C.
Protein change: p.Val1054Leu; replaces valine 1054 with leucine.
Molecular consequence: missense variant.
Genome position (GRCh38, 1-based): chr1:237,550,637, G>C. VCF-style: chr1-237550637-G-C. GRCh37 (hg19) VCF-style: chr1-237713937-G-C.
Other names: short protein forms V1054L.
Identifiers: ClinVar variation 925966 (VCV000925966.5), dbSNP rs1670294201, ClinGen allele CA345395004.

ClinVar aggregate classification (germline): Uncertain significance (1 of 4 stars; one submission).

Conditions:
Cardiomyopathy (CMYO). Also called: Cardiomyopathies. Identifiers: Orphanet 167848, MedGen C0878544, MONDO:0004994, HP:0001638. Inheritance: Various modes of inheritance.

Allele frequency attached by ClinVar (database versions not stated): gnomAD exomes below 0.00001; TOPMed below 0.00001.
gnomAD v4.1: 1 of 1,583,360 alleles (0.000063%); highest among the groups gnomAD compares: Non-Finnish European, 0.000086%; no homozygotes.

Submission:

Color Diagnostics, LLC DBA Color Health
Classification: Uncertain significance for Cardiomyopathy. Last evaluated: 2023-12-04. Review status: criteria provided, single submitter. Criteria: ACMG Guidelines, 2015. Collection method: clinical testing. Allele origin: germline.
Comment: Variant of Uncertain Significance due to insufficient evidence: This missense variant replaces valine with leucine at codon 1054 of the RYR2 protein. Computational prediction tools and conservation analyses are inconclusive regarding the impact of this variant on the protein function. Computational splicing tools suggest that this variant may not impact RNA splicing. To our knowledge, functional assays have not been performed for this variant nor has this variant been reported in individuals affected with cardiovascular disorders in the literature. This variant has not been identified in the general population by the Genome Aggregation Database (gnomAD). Available evidence is insufficient to determine the role of this variant in disease conclusively.